The following is an entry in ClinVar:

NM_004260.4(RECQL4):c.2549T>A (p.Phe850Tyr)

Gene: RECQL4 (RecQ like helicase 4; minus strand). Cytogenetic location: 8q24.3.
Variant type: single nucleotide variant.
Coding change: c.2549T>A on transcript NM_004260.4 (MANE Select); coding-DNA position 2549, T replaced by A.
Protein change: p.Phe850Tyr; replaces phenylalanine 850 with tyrosine.
Molecular consequence: missense variant. On other transcripts: non-coding transcript variant (3).
Genome position (GRCh38, 1-based): chr8:144,513,053, A>T on the plus strand (T>A on the coding strand, the complement: RECQL4 is on the minus strand). VCF-style: chr8-144513053-A-T. GRCh37 (hg19) VCF-style: chr8-145738436-A-T.
Other names: c.2255T>A, p.Phe752Tyr (NM_001413017.1); c.2351T>A, p.Phe784Tyr (NM_001413018.1); c.2549T>A, p.Phe850Tyr (NM_001413019.1, NM_001413036.1); c.2453T>A, p.Phe818Tyr (NM_001413020.1); c.1478T>A, p.Phe493Tyr (NM_001413021.1, NM_001413022.1, NM_001413023.1 and 5 more transcripts); c.2420T>A, p.Phe807Tyr (NM_001413025.1); c.1412T>A, p.Phe471Tyr (NM_001413027.1, NM_001413030.1, NM_001413032.1 and 1 more transcripts); c.2198T>A, p.Phe733Tyr (NM_001413029.1); and 6 more; short protein forms F449Y, F784Y, F807Y, F850Y, F427Y, F806Y, F840Y, F361Y.
Identifiers: ClinVar variation 3944245 (VCV003944245.1).

ClinVar aggregate classification (germline): Uncertain significance (1 of 4 stars; one submission).

Conditions:
Inborn genetic diseases. Identifiers: MedGen C0950123, MeSH D030342.

Submission:

Ambry Genetics
Classification: Uncertain significance for Inborn genetic diseases. Last evaluated: 2025-03-24. Review status: criteria provided, single submitter. Criteria: Ambry Variant Classification Scheme 2023. Collection method: clinical testing. Allele origin: germline.
Comment: The p.F850Y variant (also known as c.2549T>A), located in coding exon 15 of the RECQL4 gene, results from a T to A substitution at nucleotide position 2549. The phenylalanine at codon 850 is replaced by tyrosine, an amino acid with highly similar properties. This amino acid position is conserved. In addition, the in silico prediction for this alteration is inconclusive. Based on the available evidence, the clinical significance of this variant remains unclear.